The following is an entry in ClinVar:

NM_000384.3(APOB):c.5456T>C (p.Leu1819Pro)

Gene: APOB (apolipoprotein B; minus strand). Cytogenetic location: 2p24.1.
Variant type: single nucleotide variant.
Coding change: c.5456T>C on transcript NM_000384.3 (MANE Select); coding-DNA position 5456, T replaced by C.
Protein change: p.Leu1819Pro; replaces leucine 1819 with proline.
Molecular consequence: missense variant.
Genome position (GRCh38, 1-based): chr2:21,011,412, A>G on the plus strand (T>C on the coding strand, the complement: APOB is on the minus strand). VCF-style: chr2-21011412-A-G. GRCh37 (hg19) VCF-style: chr2-21234284-A-G.
Other names: short protein forms L1819P.
Identifiers: ClinVar variation 3933903 (VCV003933903.2).

ClinVar aggregate classification (germline): Uncertain significance. Review status: criteria provided, multiple submitters, no conflicts (2 of 4 stars). 2 submissions from 2 submitters: Uncertain significance (2). Last evaluated 2026-04-02.

Conditions:
Cardiovascular phenotype. Identifiers: MedGen CN230736.

gnomAD v4.1: 1 of 1,614,114 alleles (0.000062%); highest among the groups gnomAD compares: Non-Finnish European, 0.000085%; no homozygotes.

Submissions (2):

GeneDx
Classification: Uncertain significance. Last evaluated: 2026-04-02. Review status: criteria provided, single submitter. Criteria: GeneDx Variant Classification Process June 2021. Collection method: clinical testing. Allele origin: germline.
Comment: Not observed at significant frequency in large population cohorts (gnomAD); In silico analysis supports that this missense variant has a deleterious effect on protein structure/function; Has not been previously published as pathogenic or benign to our knowledge

Ambry Genetics
Classification: Uncertain significance for Cardiovascular phenotype. Last evaluated: 2025-05-07. Review status: criteria provided, single submitter. Criteria: Ambry Variant Classification Scheme 2023. Collection method: clinical testing. Allele origin: germline.